The following is an entry in ClinVar:

NM_001205293.3(CACNA1E):c.6516C>T (p.Tyr2172=)

Gene: CACNA1E (calcium voltage-gated channel subunit alpha1 E; plus strand). Cytogenetic location: 1q25.3.
Variant type: single nucleotide variant.
Coding change: c.6516C>T on transcript NM_001205293.3 (MANE Select); coding-DNA position 6516, C replaced by T.
Protein change: p.Tyr2172=; no amino-acid change (tyrosine 2172 retained).
Molecular consequence: synonymous variant.
Genome position (GRCh38, 1-based): chr1:181,798,408, C>T. VCF-style: chr1-181798408-C-T. GRCh37 (hg19) VCF-style: chr1-181767544-C-T.
Other names: c.6387C>T, p.Tyr2129= (NM_000721.4); c.6330C>T, p.Tyr2110= (NM_001205294.2).
Identifiers: ClinVar variation 1382446 (VCV001382446.32), dbSNP rs756099099, ClinGen allele CA1276432.

ClinVar aggregate classification (germline): Likely benign. Review status: criteria provided, multiple submitters, no conflicts (2 of 4 stars). 3 submissions from 3 submitters: Likely benign (3). Last evaluated 2026-07-01.

Conditions:
Developmental and epileptic encephalopathy, 69. Also called: EPILEPTIC ENCEPHALOPATHY, EARLY INFANTILE, 69. Identifiers: MedGen C4748988, MONDO:0032657, OMIM 618285.

Allele frequency attached by ClinVar (database versions not stated): gnomAD exomes 0.00005 and 0.00002; ExAC 0.00002; gnomAD 0.00002 and 0.00003; TOPMed 0.00003.
gnomAD v4.1: 88 of 1,613,532 alleles (0.0055%); highest among the groups gnomAD compares: Non-Finnish European, 0.0066%; no homozygotes.

Submissions (3):

CeGaT Center for Human Genetics Tuebingen
Classification: Likely benign. Last evaluated: 2026-07-01. Review status: criteria provided, single submitter. Criteria: CeGaT Center For Human Genetics Tuebingen Variant Classification Criteria Version 2. Collection method: clinical testing. Allele origin: germline. Affected: yes. Observed: 2 variant alleles.
Comment: CACNA1E: BP4, BP7

Labcorp Genetics (formerly Invitae), Labcorp
Classification: Likely benign. Last evaluated: 2025-01-11. Review status: criteria provided, single submitter. Criteria: Invitae Variant Classification Sherloc (09022015). Collection method: clinical testing. Allele origin: germline.

Genome-Nilou Lab
Classification: Likely benign for Developmental and epileptic encephalopathy, 69. Last evaluated: 2023-04-11. Review status: criteria provided, single submitter. Criteria: ACMG Guidelines, 2015. Collection method: clinical testing. Allele origin: germline. Affected: no.